The following is an entry in ClinVar:

NM_005228.5(EGFR):c.3148_3154del (p.Ile1050fs)

Gene: EGFR (epidermal growth factor receptor; plus strand). Cytogenetic location: 7p11.2.
Variant type: Deletion.
Coding change: c.3148_3154del on transcript NM_005228.5 (MANE Select); coding-DNA positions 3148 to 3154, 7 bases deleted (ATTGATA; older notation c.3148_3154delATTGATA).
Protein change: p.Ile1050fs; shifts the reading frame from isoleucine 1050.
Molecular consequence: frameshift variant.
Genome position (GRCh38, 1-based): chr7:55,201,768-55,201,774, ATTGATA deleted. VCF-style (leftmost placement, unchanged base first): chr7-55201767-CATTGATA-C. GRCh37 (hg19) VCF-style: chr7-55269460-CATTGATA-C.
Other names: c.3013_3019del, p.Ile1005fs (NM_001346897.2, NM_001346899.2); c.3148_3154del, p.Ile1050fs (NM_001346898.2); c.2989_2995del, p.Ile997fs (NM_001346900.2); c.2347_2353del, p.Ile783fs (NM_001346941.2); short protein forms I1005fs, I1050fs, I997fs, I783fs.
Identifiers: ClinVar variation 5035820 (VCV005035820.1).
Genomic context (GRCh38, chr7:55,201,767, plus strand): 5'-ATGGGCAACTTCTCTGTTTCTTTTTCAGAGTGCAACCAGCAACAATTCCACCGTGGCTTG[CATTGATA>C]GAAATGGGGTATGTATGAACACCTTATAAGCCAGAATTTACAGCTCTCCACTATGGCTCT-3'

ClinVar aggregate classification (germline): Uncertain significance (1 of 4 stars; one submission).

Conditions:
Hereditary cancer-predisposing syndrome. Also called: Hereditary Cancer Syndrome; Neoplastic Syndromes, Hereditary; Tumor predisposition; Hereditary neoplastic syndrome. Identifiers: Orphanet 140162, MedGen C0027672, MeSH D009386, MONDO:0015356.

Submission:

Ambry Genetics
Classification: Uncertain significance for Hereditary cancer-predisposing syndrome. Last evaluated: 2026-08-21. Review status: criteria provided, single submitter. Criteria: Ambry Variant Classification Scheme 2023. Collection method: clinical testing. Allele origin: germline.
Comment: The c.3148_3154delATTGATA variant, located in coding exon 26 of the EGFR gene, results from a deletion of 7 nucleotides at nucleotide positions 3148 to 3154, causing a translational frameshift with a predicted alternate stop codon (p.I1050Efs*26). This variant occurs at the 3' terminus of the gene, is not expected to trigger nonsense-mediated mRNAdecay, and impacts the last 13.4% of the protein. The exact functional effect of this variant is unknown. Based on the available evidence, the clinical significance of this variant remains unclear.